The following is an entry in ClinVar:

ClinVar aggregate classification (germline): Uncertain significance (1 of 4 stars; one submission).

Conditions:
Dilated cardiomyopathy 1G (CMD1G). Identifiers: Orphanet 154, MedGen C1858763, MONDO:0011400, OMIM 604145.
Autosomal recessive limb-girdle muscular dystrophy type 2J (LGMDR10). Also called: Limb-girdle muscular dystrophy, type 2J; MUSCULAR DYSTROPHY, LIMB-GIRDLE, AUTOSOMAL RECESSIVE 10. Identifiers: Orphanet 140922, MedGen C1837342, MONDO:0012127, OMIM 608807.

Allele frequency attached by ClinVar (database versions not stated): gnomAD exomes below 0.00001 and 0.00001; gnomAD 0.00001; TOPMed 0.00001.
gnomAD v4.1: 3 of 1,613,588 alleles (0.00019%); highest among the groups gnomAD compares: Admixed American, 0.0033%; no homozygotes.

Submission:

Labcorp Genetics (formerly Invitae), Labcorp
Classification: Uncertain significance for Dilated cardiomyopathy 1G; Autosomal recessive limb-girdle muscular dystrophy type 2J. Last evaluated: 2016-07-09. Review status: criteria provided, single submitter. Criteria: Invitae Variant Classification Sherloc (09022015). Collection method: clinical testing. Allele origin: germline.
Comment: This sequence change replaces threonine with isoleucine at codon 33059 of the TTN protein (p.Thr33059Ile). The threonine residue is moderately conserved and there is a moderate physicochemical difference between threonine and isoleucine. This variant is not present in population databases (ExAC no frequency) and has not been reported in the literature in individuals with a TTN-related disease. Algorithms developed to predict the effect of missense changes on protein structure and function are unavailable for the TTN gene. In summary, this variant is a novel missense change with uncertain impact on protein function. It has been classified as a Variant of Uncertain Significance.

NM_001267550.2(TTN):c.99176C>T (p.Thr33059Ile)

Genes: TTN (titin; minus strand), TTN-AS1 (TTN antisense RNA 1; plus strand). Cytogenetic location: 2q31.2.
Variant type: single nucleotide variant.
Coding change: c.99176C>T on transcript NM_001267550.2 (MANE Select); coding-DNA position 99176, C replaced by T.
Protein change: p.Thr33059Ile; replaces threonine 33059 with isoleucine.
Molecular consequence: missense variant.
Genome position (GRCh38, 1-based): chr2:178,538,653, G>A on the plus strand (C>T on the coding strand, the complement: TTN is on the minus strand). VCF-style: chr2-178538653-G-A. GRCh37 (hg19) VCF-style: chr2-179403380-G-A.
Other names: c.94253C>T, p.Thr31418Ile (NM_001256850.1); c.71981C>T, p.Thr23994Ile (NM_003319.4); c.91472C>T, p.Thr30491Ile (NM_133378.4); c.72356C>T, p.Thr24119Ile (NM_133432.3); c.72557C>T, p.Thr24186Ile (NM_133437.4); short protein forms T33059I, T23994I, T24186I, T31418I, T24119I, T30491I.
Identifiers: ClinVar variation 404712 (VCV000404712.1), dbSNP rs1038769207, ClinGen allele CA16610201.